The following is an entry in ClinVar:

NM_001378609.3(OTOGL):c.612-2A>G

Gene: OTOGL (otogelin like; plus strand). Cytogenetic location: 12q21.31.
Variant type: single nucleotide variant.
Coding change: c.612-2A>G on transcript NM_001378609.3 (MANE Select); the canonical splice acceptor site of the intron before coding-DNA position 612, A replaced by G.
Molecular consequence: splice acceptor variant.
Genome position (GRCh38, 1-based): chr12:80,232,890, A>G. VCF-style: chr12-80232890-A-G. GRCh37 (hg19) VCF-style: chr12-80626670-A-G.
Other names: c.612-2A>G (NM_001368062.3, NM_001378610.3, NM_173591.7).
Identifiers: ClinVar variation 3375776 (VCV003375776.1).

ClinVar aggregate classification (germline): Likely pathogenic (1 of 4 stars; one submission).

gnomAD v4.1: 6 of 1,592,846 alleles (0.00038%); highest among the groups gnomAD compares: African/African-American, 0.008%; no homozygotes.

Submission:

GeneDx
Classification: Likely pathogenic. Last evaluated: 2024-05-07. Review status: criteria provided, single submitter. Criteria: GeneDx Variant Classification Process June 2021. Collection method: clinical testing. Allele origin: germline. Affected: yes.
Comment: Canonical splice site variant predicted to result in a null allele in a gene for which loss of function is a known mechanism of disease; Has not been previously published as pathogenic or benign to our knowledge